The following is an entry in ClinVar:

NM_001330078.2(NRXN1):c.791-15_791-14del

Gene: NRXN1 (neurexin 1; minus strand). Cytogenetic location: 2p16.3.
Variant type: Deletion.
Coding change: c.791-15_791-14del on transcript NM_001330078.2 (MANE Select); 15 bases into the intron before coding-DNA position 791 through 14 bases into the intron before coding-DNA position 791, 2 bases deleted (TT; older notation c.791-15_791-14delTT).
Molecular consequence: intron variant.
Genome position (GRCh38, 1-based): chr2:50,922,701-50,922,702, AA deleted on the plus strand (TT on the coding strand, the reverse complement: NRXN1 is on the minus strand). VCF-style (leftmost placement, unchanged base first): chr2-50922700-CAA-C. GRCh37 (hg19) VCF-style: chr2-51149838-CAA-C.
Other names: c.772+104800_772+104801del (NM_001330096.2, NM_001330087.2, NM_001330083.2 and 1 more transcripts); c.773-15_773-14del (NM_001330088.2, NM_001330089.2); c.788-15_788-14del (NM_001330093.2, NM_001330079.2); c.791-15_791-14del (NM_001330094.2, NM_001330095.2, NM_001330082.2 and 6 more transcripts); c.890-15_890-14del (NM_001135659.3).
Identifiers: ClinVar variation 4737648 (VCV004737648.1).

ClinVar aggregate classification (germline): Uncertain significance (1 of 4 stars; one submission).

Conditions:
Pitt-Hopkins-like syndrome 2 (PTHSL2). Identifiers: Orphanet 221150, Orphanet 600663, MedGen C3280479, MONDO:0013690, OMIM 614325.

Submission:

Labcorp Genetics (formerly Invitae), Labcorp
Classification: Uncertain significance for Pitt-Hopkins-like syndrome 2. Last evaluated: 2025-09-08. Review status: criteria provided, single submitter. Criteria: Invitae Variant Classification Sherloc (09022015). Collection method: clinical testing. Allele origin: germline.
Comment: This sequence change falls in intron 4 of the NRXN1 gene. It does not directly change the encoded amino acid sequence of the NRXN1 protein. This variant is not present in population databases (gnomAD no frequency). This variant has not been reported in the literature in individuals affected with NRXN1-related conditions. Algorithms developed to predict the effect of sequence changes on RNA splicing suggest that this variant may disrupt the consensus splice site. In summary, the available evidence is currently insufficient to determine the role of this variant in disease. Therefore, it has been classified as a Variant of Uncertain Significance.